The following is an entry in ClinVar:

NM_001042492.3(NF1):c.3121A>C (p.Met1041Leu)

Gene: NF1 (neurofibromin 1; plus strand). Cytogenetic location: 17q11.2.
Variant type: single nucleotide variant.
Coding change: c.3121A>C on transcript NM_001042492.3 (MANE Select); coding-DNA position 3121, A replaced by C.
Protein change: p.Met1041Leu; replaces methionine 1041 with leucine.
Molecular consequence: missense variant.
Genome position (GRCh38, 1-based): chr17:31,230,849, A>C. VCF-style: chr17-31230849-A-C. GRCh37 (hg19) VCF-style: chr17-29557867-A-C.
Other names: c.3121A>C, p.Met1041Leu (NM_000267.4); short protein forms M1041L.
Identifiers: ClinVar variation 2104058 (VCV002104058.4), dbSNP rs2151432357, ClinGen allele CA398987867.

ClinVar aggregate classification (germline): Uncertain significance (1 of 4 stars; one submission).

Conditions:
Neurofibromatosis, type 1 (NF1). Also called: Peripheral type neurofibromatosis; NEUROFIBROMATOSIS, TYPE I, SOMATIC; VON RECKLINGHAUSEN DISEASE; Neurofibromatosis, type I. Identifiers: Orphanet 636, MedGen C0027831, MONDO:0018975, OMIM 162200. Disease mechanism: loss of function.

Submission:

Labcorp Genetics (formerly Invitae), Labcorp
Classification: Uncertain significance for Neurofibromatosis, type 1. Last evaluated: 2022-02-27. Review status: criteria provided, single submitter. Criteria: Invitae Variant Classification Sherloc (09022015). Collection method: clinical testing. Allele origin: germline.
Comment: In summary, the available evidence is currently insufficient to determine the role of this variant in disease. Therefore, it has been classified as a Variant of Uncertain Significance. Advanced modeling of protein sequence and biophysical properties (such as structural, functional, and spatial information, amino acid conservation, physicochemical variation, residue mobility, and thermodynamic stability) performed at Invitae indicates that this missense variant is not expected to disrupt NF1 protein function. This variant has not been reported in the literature in individuals affected with NF1-related conditions. This variant is not present in population databases (gnomAD no frequency). This sequence change replaces methionine, which is neutral and non-polar, with leucine, which is neutral and non-polar, at codon 1041 of the NF1 protein (p.Met1041Leu).